The following is an entry in ClinVar:

NM_000163.5(GHR):c.1156C>T (p.Arg386Cys)

Gene: GHR (growth hormone receptor; plus strand). Cytogenetic location: 5p12.
Variant type: single nucleotide variant.
Coding change: c.1156C>T on transcript NM_000163.5 (MANE Select); coding-DNA position 1156, C replaced by T.
Protein change: p.Arg386Cys; replaces arginine 386 with cysteine.
Molecular consequence: missense variant. On other transcripts: 3 prime UTR variant (1).
Genome position (GRCh38, 1-based): chr5:42,718,663, C>T. VCF-style: chr5-42718663-C-T. GRCh37 (hg19) VCF-style: chr5-42718765-C-T.
Other names: c.1156C>T (NM_000163.4); c.1177C>T, p.Arg393Cys (NM_001242399.2); c.1156C>T, p.Arg386Cys (NM_001242400.2, NM_001242401.4, NM_001242402.2 and 4 more transcripts); c.1090C>T, p.Arg364Cys (NM_001242460.2); c.*198C>T (NM_001242462.1); short protein forms R364C, R386C, R393C.
Identifiers: ClinVar variation 2191138 (VCV002191138.8), dbSNP rs34853905, ClinGen allele CA3254605.

ClinVar aggregate classification (germline): Uncertain significance. Review status: criteria provided, multiple submitters, no conflicts (2 of 4 stars). 3 submissions from 3 submitters: Uncertain significance (3). Last evaluated 2026-06-03.

Conditions:
GHR-related disorder. Also called: GHR-related condition.

Allele frequency attached by ClinVar (database versions not stated): ESP Exome Variant Server 0.00015; ExAC 0.00027; 1000 Genomes Project 30x 0.00031; gnomAD 0.00033; TOPMed 0.00041; gnomAD exomes 0.00057.
gnomAD v4.1: 894 of 1,614,084 alleles (0.055%); highest among the groups gnomAD compares: Admixed American, 0.068%; no homozygotes.

Submissions (3):

Women's Health and Genetics/Laboratory Corporation of America, LabCorp
Classification: Uncertain significance. Last evaluated: 2026-06-03. Review status: criteria provided, single submitter. Criteria: LabCorp Variant Classification Summary - May 2015. Collection method: clinical testing. Allele origin: germline.
Comment: Variant summary: GHR c.1156C>T (p.Arg386Cys) results in a non-conservative amino acid change located in the Growth hormone receptor binding domain (IPR025871) of the encoded protein sequence. Algorithms developed to predict the effect of missense changes on protein structure and function all suggest that this variant is likely to be disruptive. The variant allele was found at a frequency of 0.00035 in 251098 control chromosomes. This frequency is not significantly higher than estimated for disease-causing variants in GHR, allowing no conclusion about variant significance. c.1156C>T has been reported in the literature in a heterozygous individual affected with idiopathic short stature (Andrade_2022). These data do not allow any conclusion about variant significance. To our knowledge, no experimental evidence demonstrating an impact on protein function has been reported. The following publication have been ascertained in the context of this evaluation (PMID: 36373817). ClinVar contains an entry for this variant (Variation ID: 2191138). Based on the evidence outlined above, the variant was classified as uncertain significance.

PreventionGenetics, part of Exact Sciences
Classification: Uncertain significance for GHR-related condition. Last evaluated: 2025-12-23. Review status: criteria provided, single submitter. Criteria: ACMG Guidelines, 2015. Collection method: clinical testing. Allele origin: germline.
Comment: The GHR c.1156C>T variant is predicted to result in the amino acid substitution p.Arg386Cys. This variant was reported in an individual and a parent with short stature (Andrade et al. 2022. PubMed ID: 36373817). This variant is reported in 0.068% of alleles in individuals of Latino descent in gnomAD. At this time, the clinical significance of this variant is uncertain due to the absence of conclusive functional and genetic evidence.

Labcorp Genetics (formerly Invitae), Labcorp
Classification: Uncertain significance. Last evaluated: 2025-01-24. Review status: criteria provided, single submitter. Criteria: Invitae Variant Classification Sherloc (09022015). Collection method: clinical testing. Allele origin: germline.
Comment: This sequence change replaces arginine, which is basic and polar, with cysteine, which is neutral and slightly polar, at codon 386 of the GHR protein (p.Arg386Cys). This variant is present in population databases (rs34853905, gnomAD 0.06%). This missense change has been observed in individual(s) with short stature (PMID: 36373817). ClinVar contains an entry for this variant (Variation ID: 2191138). Invitae Evidence Modeling of protein sequence and biophysical properties (such as structural, functional, and spatial information, amino acid conservation, physicochemical variation, residue mobility, and thermodynamic stability) indicates that this missense variant is not expected to disrupt GHR protein function with a negative predictive value of 80%. In summary, the available evidence is currently insufficient to determine the role of this variant in disease. Therefore, it has been classified as a Variant of Uncertain Significance.

Literature cited by the submitters: PubMed 36373817 (cited by Women's Health and Genetics/Laboratory Corporation of America, LabCorp and Labcorp Genetics (formerly Invitae), Labcorp).